The following is an entry in ClinVar:

NM_006912.6(RIT1):c.311A>T (p.Asp104Val)

Gene: RIT1 (Ras like without CAAX 1; minus strand). Cytogenetic location: 1q22.
Variant type: single nucleotide variant.
Coding change: c.311A>T on transcript NM_006912.6 (MANE Select); coding-DNA position 311, A replaced by T.
Protein change: p.Asp104Val; replaces aspartic acid 104 with valine.
Molecular consequence: missense variant.
Genome position (GRCh38, 1-based): chr1:155,904,429, T>A on the plus strand (A>T on the coding strand, the complement: RIT1 is on the minus strand). VCF-style: chr1-155904429-T-A. GRCh37 (hg19) VCF-style: chr1-155874220-T-A.
Other names: c.203A>T, p.Asp68Val (NM_001256820.2); c.362A>T, p.Asp121Val (NM_001256821.2); short protein forms D104V, D121V, D68V.
Identifiers: ClinVar variation 4799948 (VCV004799948.1).
Genomic context (GRCh38, chr1:155,904,429, plus strand): 5'-GTACGTCGGACTCGATAAATAAGCTGTTTAAACTCACGAACTTCATGGAAACTTCGACGA[T>A]CCGTGATAGAGTAACAGATGATAAACCCTTCTCCTGCCCTCATATACTGGTCCCGCATGG-3'
Protein context (NP_008843.1, residues 94-114): EGFIICYSIT[Asp104Val]RRSFHEVREF

ClinVar aggregate classification (germline): Uncertain significance (1 of 4 stars; one submission).

Conditions:
Noonan syndrome 8 (NS8). Identifiers: Orphanet 648, MedGen C3809233, MONDO:0014143, OMIM 615355.

Submission:

Labcorp Genetics (formerly Invitae), Labcorp
Classification: Uncertain significance for Noonan syndrome 8. Last evaluated: 2026-01-01. Review status: criteria provided, single submitter. Criteria: Invitae Variant Classification Sherloc (09022015). Collection method: clinical testing. Allele origin: germline.
Comment: This sequence change replaces aspartic acid, which is acidic and polar, with valine, which is neutral and non-polar, at codon 104 of the RIT1 protein (p.Asp104Val). This variant is not present in population databases (gnomAD no frequency). This variant has not been reported in the literature in individuals affected with RIT1-related conditions. Invitae Evidence Modeling of protein sequence and biophysical properties (such as structural, functional, and spatial information, amino acid conservation, physicochemical variation, residue mobility, and thermodynamic stability) indicates that this missense variant is expected to disrupt RIT1 protein function with a positive predictive value of 95%. In summary, the available evidence is currently insufficient to determine the role of this variant in disease. Therefore, it has been classified as a Variant of Uncertain Significance.